The following is an entry in ClinVar:

NM_001846.4(COL4A2):c.3950G>T (p.Gly1317Val)

Genes: COL4A2 (collagen type IV alpha 2 chain; plus strand), COL4A2-AS1 (COL4A2 antisense RNA 1; minus strand). Cytogenetic location: 13q34.
Variant type: single nucleotide variant.
Coding change: c.3950G>T on transcript NM_001846.4 (MANE Select); coding-DNA position 3950, G replaced by T.
Protein change: p.Gly1317Val; replaces glycine 1317 with valine.
Molecular consequence: missense variant.
Genome position (GRCh38, 1-based): chr13:110,503,193, G>T. VCF-style: chr13-110503193-G-T. GRCh37 (hg19) VCF-style: chr13-111155540-G-T.
Other names: short protein forms G1317V.
Identifiers: ClinVar variation 3392554 (VCV003392554.1).

ClinVar aggregate classification (germline): Likely pathogenic (1 of 4 stars; one submission).

Conditions:
Brain small vessel disease 2A, autosomal dominant. Also called: Porencephaly 2. Identifiers: Orphanet 2940, Orphanet 99810, MedGen C3280970, MONDO:0013773, OMIM 614483.

Submission:

MVZ Medizinische Genetik Mainz
Classification: Likely pathogenic for Brain small vessel disease 2A, autosomal dominant. Last evaluated: 2024-12-11. Review status: criteria provided, single submitter. Criteria: UK Practice Guidelines For Variant Classification V4 01 2020. Collection method: clinical testing. Allele origin: germline. Inheritance: Autosomal dominant inheritance. Affected: yes. Observed: 1 variant allele.
Comment: ACMG Criteria: PM1_STR,PM2_SUP,PP3